The following is an entry in ClinVar:

ClinVar aggregate classification (germline): Conflicting classifications of pathogenicity. Review status: criteria provided, conflicting classifications (1 of 4 stars). 4 submissions from 4 submitters: Pathogenic (1); Likely pathogenic (1); Uncertain significance (1). 1 of the submissions does not count toward it. Last evaluated 2026-02-06.

Conditions:
Autosomal recessive osteopetrosis 4. Also called: CLCN7-Related Osteopetrosis; infantile malignant CLCN7-related recessive osteopetrosis. Identifiers: Orphanet 667, MedGen C1969106, MONDO:0012676, OMIM 611490.

Allele frequency attached by ClinVar (database versions not stated): TOPMed below 0.00001; ExAC 0.00001; gnomAD exomes 0.00001; gnomAD 0.00001; ESP Exome Variant Server 0.00008.
gnomAD v4.1: 11 of 1,613,034 alleles (0.00068%); highest among the groups gnomAD compares: African/African-American, 0.0013%; no homozygotes.

Submissions (4):

Dasa
Classification: Uncertain significance. Last evaluated: 2026-02-06. Review status: criteria provided, single submitter. Criteria: DASA Assertion Criteria. Collection method: clinical testing. Allele origin: germline.
Comment: NM_001287.6(CLCN7):c.641A>G (p.Asn214Ser) is a missense variant that results in the substitution of asparagine with serine. This variant has been reported in individuals with CLCN7-related disorders (PMID: 19953639). Also, this variant is rare in population databases. The currently available literature and clinical evidence are not sufficient to establish a definitive association between this variant and the reported condition. Therefore, this variant is classified as a variant of uncertain significance.

3billion
Classification: Likely pathogenic for Autosomal recessive osteopetrosis 4. Last evaluated: 2024-08-08. Review status: criteria provided, single submitter. Criteria: ACMG Guidelines, 2015. Collection method: clinical testing. Allele origin: germline. Affected: yes.
Comment: The variant is observed at an extremely low frequency in the gnomAD v4.0.0 dataset (total allele frequency: <0.001%). Predicted Consequence/Location: Missense variant In silico tool predictions suggest damaging effect of the variant on gene or gene product [REVEL: 0.64 (>=0.6, sensitivity 0.68 and specificity 0.92); 3Cnet: 0.81 (>=0.6, sensitivity 0.72 and precision 0.9)]. The same nucleotide change resulting in the same amino acid change has been previously reported to be associated with CLCN7-related disorder (PMID: 19953639).The variant has been reported to be in trans with a pathogenic variant as either compound heterozygous or homozygous in at least one similarly affected unrelated individual (PMID: 19953639). Therefore, this variant is classified as Likely pathogenic according to the recommendation of ACMG/AMP guideline.

Labcorp Genetics (formerly Invitae), Labcorp
Classification: Pathogenic. Last evaluated: 2024-05-03. Review status: criteria provided, single submitter. Criteria: Invitae Variant Classification Sherloc (09022015). Collection method: clinical testing. Allele origin: germline.
Comment: This sequence change replaces asparagine, which is neutral and polar, with serine, which is neutral and polar, at codon 214 of the CLCN7 protein (p.Asn214Ser). This variant is present in population databases (rs367567630, gnomAD 0.007%). This missense change has been observed in individual(s) with autosomal recessive osteopetrosis (PMID: 19953639, 36999084). In at least one individual the data is consistent with being in trans (on the opposite chromosome) from a pathogenic variant. This variant is also known as c.569A>G (p.N190S). ClinVar contains an entry for this variant (Variation ID: 545513). Advanced modeling of protein sequence and biophysical properties (such as structural, functional, and spatial information, amino acid conservation, physicochemical variation, residue mobility, and thermodynamic stability) performed at Invitae indicates that this missense variant is expected to disrupt CLCN7 protein function with a positive predictive value of 95%. For these reasons, this variant has been classified as Pathogenic.

Foundation for Research in Genetics and Endocrinology, FRIGE's Institute of Human Genetics
Classification: Uncertain significance for Autosomal recessive osteopetrosis 4. Last evaluated: 2017-12-19. Review status: no assertion criteria provided. Collection method: clinical testing. Allele origin: germline. Inheritance: Autosomal recessive inheritance. Affected: yes. Observed: 1 variant allele, 1 compound heterozygote. Not counted in ClinVar's aggregate classification.
Comment: The observed variant c.641A>G (p.A214S) has not been reported in the 1000 genomes database and has a minor allele frequency of 0.0008% in the ExAC database. The in silico prediction of the variant is probably damaging by Polyphen-2 and damaging by SIFT, LRT and MutationTaster2. It has not been reported in the 1000 Genomes and ExAC databases. The in silico prediction of the variant is probably damaging by Polyphen-2 and damaging by SIFT, LRT and MutationTaster2.

Literature cited by the submitters: PubMed 19953639 (cited by 3 submitters); PubMed 36999084 (cited by Labcorp Genetics (formerly Invitae), Labcorp).

NM_001287.6(CLCN7):c.641A>G (p.Asn214Ser)

Gene: CLCN7 (Cl-/H+ antiporter 7; minus strand). Cytogenetic location: 16p13.3.
Variant type: single nucleotide variant.
Coding change: c.641A>G on transcript NM_001287.6 (MANE Select); coding-DNA position 641, A replaced by G.
Protein change: p.Asn214Ser; replaces asparagine 214 with serine.
Molecular consequence: missense variant.
Genome position (GRCh38, 1-based): chr16:1,459,141, T>C on the plus strand (A>G on the coding strand, the complement: CLCN7 is on the minus strand). VCF-style: chr16-1459141-T-C. GRCh37 (hg19) VCF-style: chr16-1509142-T-C.
Other names: c.569A>G, p.Asn190Ser (NM_001114331.3); short protein forms N214S, N190S.
Identifiers: ClinVar variation 545513 (VCV000545513.7), dbSNP rs367567630, ClinGen allele CA7810682.
Genomic context (GRCh38, chr16:1,459,141, plus strand): 5'-CCCAGCCAGGGCCACCGCACCCTCACCTTGAGCCGCACCACGTGGGGGATCTTCACCCCG[T>C]TGAGGAAGCACTTGATCTGGGGGATTCCGCTGCCAGCAGCCACCGGCTGAAAGAGGGGAA-3'
Protein context (NP_001278.1, residues 204-224): SGIPQIKCFL[Asn214Ser]GVKIPHVVRL